The following is an entry in ClinVar:

NM_170606.3(KMT2C):c.1261G>A (p.Val421Ile)

Gene: KMT2C (lysine methyltransferase 2C; minus strand). Cytogenetic location: 7q36.1.
Variant type: single nucleotide variant.
Coding change: c.1261G>A on transcript NM_170606.3 (MANE Select); coding-DNA position 1261, G replaced by A.
Protein change: p.Val421Ile; replaces valine 421 with isoleucine.
Molecular consequence: missense variant.
Genome position (GRCh38, 1-based): chr7:152,263,054, C>T on the plus strand (G>A on the coding strand, the complement: KMT2C is on the minus strand). VCF-style: chr7-152263054-C-T. GRCh37 (hg19) VCF-style: chr7-151960139-C-T.
Other names: short protein forms V421I.
Identifiers: ClinVar variation 1711666 (VCV001711666.30), dbSNP rs2360887, ClinGen allele CA4581543.

ClinVar aggregate classification (germline): Uncertain significance (1 of 4 stars; one submission).

Allele frequency attached by ClinVar (database versions not stated): gnomAD 0.00001; gnomAD exomes 0.00001; ExAC 0.00002.

Submission:

CeGaT Center for Human Genetics Tuebingen
Classification: Uncertain significance. Last evaluated: 2022-08-01. Review status: criteria provided, single submitter. Criteria: CeGaT Center For Human Genetics Tuebingen Variant Classification Criteria Version 2. Collection method: clinical testing. Allele origin: germline. Affected: yes. Observed: 1 variant allele.
Comment: KMT2C: PM2:Supporting, BP4